The following is an entry in ClinVar:

NM_007126.5(VCP):c.2149C>T (p.Pro717Ser)

Gene: VCP (valosin containing protein; minus strand). Cytogenetic location: 9p13.3.
Variant type: single nucleotide variant.
Coding change: c.2149C>T on transcript NM_007126.5 (MANE Select); coding-DNA position 2149, C replaced by T.
Protein change: p.Pro717Ser; replaces proline 717 with serine.
Molecular consequence: missense variant.
Genome position (GRCh38, 1-based): chr9:35,059,075, G>A on the plus strand (C>T on the coding strand, the complement: VCP is on the minus strand). VCF-style: chr9-35059075-G-A. GRCh37 (hg19) VCF-style: chr9-35059072-G-A.
Other names: c.2014C>T, p.Pro672Ser (NM_001354927.2, NM_001354928.2); short protein forms P672S, P717S.
Identifiers: ClinVar variation 3354975 (VCV003354975.3).
Genomic context (GRCh38, chr9:35,059,075, plus strand): 5'-TGCCTGGCTCTCCATGATTGGCACATCTGGGGAAAGGATGCAGACTCACCATGGCTGATG[G>A]GTTTGTCTGCCTCTCTCGTTCTCGCCTAATCTCACTCTCGATGGATTCACGGATGGCCAG-3'
Protein context (NP_009057.1, residues 707-727): IRRERERQTN[Pro717Ser]SAMEVEEDDP

ClinVar aggregate classification (germline): Uncertain significance. Review status: criteria provided, single submitter (1 of 4 stars). 2 submissions from 2 submitters: Uncertain significance (1). 1 of the submissions does not count toward it. Last evaluated 2024-05-10.

Conditions:
VCP-related disorder. Also called: VCP-related condition; VCP-related disorders.
Frontotemporal dementia and/or amyotrophic lateral sclerosis 6 (FTDALS6). Also called: VCP-Related Amyotrophic Lateral Sclerosis; VCP-Related Amyotrophic Lateral Sclerosis/Frontotemporal Dementia. Identifiers: Orphanet 275872, Orphanet 803, MedGen C5436279, MONDO:0013501, OMIM 613954.
Inclusion body myopathy with Paget disease of bone and frontotemporal dementia. Also called: Inclusion body myopathy with early-onset Paget disease and frontotemporal dementia. Identifiers: Orphanet 52430, MedGen C1833662, MONDO:0000507.

Submissions (2):

Labcorp Genetics (formerly Invitae), Labcorp
Classification: Uncertain significance for Inclusion body myopathy with Paget disease of bone and frontotemporal dementia; Frontotemporal dementia and/or amyotrophic lateral sclerosis 6. Last evaluated: 2024-05-10. Review status: criteria provided, single submitter. Criteria: Invitae Variant Classification Sherloc (09022015). Collection method: clinical testing. Allele origin: germline.
Comment: This sequence change replaces proline, which is neutral and non-polar, with serine, which is neutral and polar, at codon 717 of the VCP protein (p.Pro717Ser). This variant is present in population databases (no rsID available, gnomAD 0.02%). This variant has not been reported in the literature in individuals affected with VCP-related conditions. Advanced modeling of protein sequence and biophysical properties (such as structural, functional, and spatial information, amino acid conservation, physicochemical variation, residue mobility, and thermodynamic stability) performed at Invitae indicates that this missense variant is not expected to disrupt VCP protein function with a negative predictive value of 95%. In summary, the available evidence is currently insufficient to determine the role of this variant in disease. Therefore, it has been classified as a Variant of Uncertain Significance.

PreventionGenetics, part of Exact Sciences
Classification: Uncertain significance for VCP-related condition. Last evaluated: 2024-05-10. Review status: no assertion criteria provided. Collection method: clinical testing. Allele origin: germline. Not counted in ClinVar's aggregate classification.
Comment: The VCP c.2149C>T variant is predicted to result in the amino acid substitution p.Pro717Ser. To our knowledge, this variant has not been reported in the literature. This variant is reported in 0.020% of alleles in individuals of Ashkenazi Jewish descent in gnomAD. At this time, the clinical significance of this variant is uncertain due to the absence of conclusive functional and genetic evidence.